The following is an entry in ClinVar:

NM_001369268.1(ACAN):c.186C>T (p.Thr62=)

Gene: ACAN (aggrecan; plus strand). Cytogenetic location: 15q26.1.
Variant type: single nucleotide variant.
Coding change: c.186C>T on transcript NM_001369268.1 (MANE Select); coding-DNA position 186, C replaced by T.
Protein change: p.Thr62=; no amino-acid change (threonine 62 retained).
Molecular consequence: synonymous variant.
Genome position (GRCh38, 1-based): chr15:88,838,778, C>T. VCF-style: chr15-88838778-C-T. GRCh37 (hg19) VCF-style: chr15-89382009-C-T.
Other names: c.186C>T, p.Thr62= (NM_001135.4, NM_013227.4).
Identifiers: ClinVar variation 287638 (VCV000287638.42), dbSNP rs191648646, ClinGen allele CA7719163.

ClinVar aggregate classification (germline): Benign/Likely benign. Review status: criteria provided, multiple submitters, no conflicts (2 of 4 stars). 8 submissions from 6 submitters: Benign (6); Likely benign (2). Last evaluated 2026-01-26.

Conditions:
Short stature and advanced bone age, with or without early-onset osteoarthritis and/or osteochondritis dissecans (SSOAOD). Identifiers: Orphanet 251262, MedGen C3665488, MONDO:0100462, OMIM 165800.
Spondyloepiphyseal dysplasia, Kimberley type. Identifiers: Orphanet 93283, MedGen C1842149, MONDO:0012019, OMIM 608361.
Spondyloepimetaphyseal dysplasia, aggrecan type. Also called: SEMD, AGGRECAN TYPE. Identifiers: Orphanet 171866, MedGen C2748544, MONDO:0013014, OMIM 612813.

Allele frequency attached by ClinVar (database versions not stated): gnomAD exomes 0.00084; ExAC 0.00089; 1000 Genomes Project 0.00280; gnomAD 0.00295 and 0.00321; 1000 Genomes Project 30x 0.00297; ESP Exome Variant Server 0.00357; TOPMed 0.00402.
gnomAD v4.1: 906 of 1,613,966 alleles (0.056%); highest among the groups gnomAD compares: African/African-American, 0.95%; 7 homozygotes.

Submissions (8):

Labcorp Genetics (formerly Invitae), Labcorp
Classification: Benign. Last evaluated: 2026-01-26. Review status: criteria provided, single submitter. Criteria: Invitae Variant Classification Sherloc (09022015). Collection method: clinical testing. Allele origin: germline.

Blueprint Genetics
Classification: Likely benign. Last evaluated: 2024-10-18. Review status: criteria provided, single submitter. Criteria: ACMG Guidelines, 2015. Collection method: clinical testing. Allele origin: germline.

CeGaT Center for Human Genetics Tuebingen
Classification: Likely benign. Last evaluated: 2023-04-01. Review status: criteria provided, single submitter. Criteria: CeGaT Center For Human Genetics Tuebingen Variant Classification Criteria Version 2. Collection method: clinical testing. Allele origin: germline. Affected: yes. Observed: 1 variant allele.
Comment: ACAN: BP4, BP7, BS2

Genome-Nilou Lab
Classification: Benign for Short stature and advanced bone age, with or without early-onset osteoarthritis and/or osteochondritis dissecans. Last evaluated: 2021-12-05. Review status: criteria provided, single submitter. Criteria: ACMG Guidelines, 2015. Collection method: clinical testing. Allele origin: germline. Affected: no.

Genome-Nilou Lab
Classification: Benign for Spondyloepimetaphyseal dysplasia, aggrecan type. Last evaluated: 2021-12-05. Review status: criteria provided, single submitter. Criteria: ACMG Guidelines, 2015. Collection method: clinical testing. Allele origin: germline. Affected: no.

Genome-Nilou Lab
Classification: Benign for Spondyloepiphyseal dysplasia, Kimberley type. Last evaluated: 2021-12-05. Review status: criteria provided, single submitter. Criteria: ACMG Guidelines, 2015. Collection method: clinical testing. Allele origin: germline. Affected: no.

Eurofins Ntd Llc (ga)
Classification: Benign. Last evaluated: 2016-05-31. Review status: criteria provided, single submitter. Criteria: EGL Classification Definitions 2015. Collection method: clinical testing. Allele origin: germline. Observed: 1 variant allele, 1 heterozygote.

Breakthrough Genomics
Classification: Benign. Review status: criteria provided, single submitter. Criteria: ACMG Guidelines, 2015. Collection method: not provided. Allele origin: germline. Inheritance: Autosomal recessive inheritance. Affected: yes.